The following is an entry in ClinVar:

NM_001267550.2(TTN):c.91550_91559del (p.Thr30517fs)

Genes: TTN (titin; minus strand), TTN-AS1 (TTN antisense RNA 1; plus strand). Cytogenetic location: 2q31.2.
Variant type: Deletion.
Coding change: c.91550_91559del on transcript NM_001267550.2 (MANE Select); coding-DNA positions 91550 to 91559, 10 bases deleted (CAAGAGATGA; older notation c.91550_91559delCAAGAGATGA).
Protein change: p.Thr30517fs; shifts the reading frame from threonine 30517.
Molecular consequence: frameshift variant.
Genome position (GRCh38, 1-based): chr2:178,550,972-178,550,981, TCATCTCTTG deleted on the plus strand (CAAGAGATGA on the coding strand, the reverse complement: TTN is on the minus strand); deleting any 10 consecutive bases within chr2:178,550,972-178,550,985 gives the same sequence; the c. name uses the placement nearest the transcript's 3' end. VCF-style (leftmost placement, unchanged base first): chr2-178550971-TTCATCTCTTG-T. GRCh37 (hg19) VCF-style: chr2-179415698-TTCATCTCTTG-T.
Other names: c.64730_64739del, p.Thr21577fs (NM_133432.3); c.64931_64940del, p.Thr21644fs (NM_133437.4); c.86627_86636del, p.Thr28876fs (NM_001256850.1); c.64355_64364del, p.Thr21452fs (NM_003319.4); c.83846_83855del, p.Thr27949fs (NM_133378.4); c.64355_64364delCAAGAGATGA (NM_003319.4); short protein forms T21452fs, T21644fs, T30517fs, T21577fs, T27949fs, T28876fs.
Identifiers: ClinVar variation 3330141 (VCV003330141.2).
Genomic context (GRCh38, chr2:178,550,971, plus strand): 5'-TTTTTTAAAAATGTGAATGCTCTTAGTCTCATTGGAAATAAGTTGTAAATGCTTACCATT[TTCATCTCTTG>T]TCATAATAATGCCAGAAGACTGTGAGGGCGGGCTTATAGTTCCAACAGCATTTCTTGCAA-3'

ClinVar aggregate classification (germline): Likely pathogenic (1 of 4 stars; one submission).

Conditions:
Cardiovascular phenotype. Identifiers: MedGen CN230736.

Submission:

Ambry Genetics
Classification: Likely pathogenic for Cardiovascular phenotype. Last evaluated: 2025-08-29. Review status: criteria provided, single submitter. Criteria: Ambry Variant Classification Scheme 2023. Collection method: clinical testing. Allele origin: germline.
Comment: The c.64355_64364delCAAGAGATGA variant, located in coding exon 163 of the TTN gene, results from a deletion of 10 nucleotides at nucleotide positions 64355 to 64364, causing a translational frameshift with a predicted alternate stop codon (p.T21452Kfs*6). This exon is located in the A-band region of the N2-B isoform of the titin protein and is constitutively expressed in TTN transcripts (percent spliced in or PSI 100%). This variant is considered to be rare based on population cohorts in the Genome Aggregation Database (gnomAD). This alteration is expected to result in loss of function by premature protein truncation or nonsense-mediated mRNA decay. While truncating variants in TTN are present in 1-3% of the general population, truncating variants in the A-band are the most common cause of dilated cardiomyopathy (DCM) (Herman DS et al. N. Engl. J. Med., 2012 Feb;366:619-28; Roberts AM et al. Sci Transl Med, 2015 Jan;7:270ra6). TTN truncating variants encoded in constitutive exons (PSI >90%) have been found to be significantly associated with DCM regardless of their position in titin (Schafer S et al. Nat. Genet., 2017 01;49:46-53). Based on the majority of available evidence to date, this variant is likely to be pathogenic.